The following is an entry in ClinVar:

ClinVar aggregate classification (germline): Conflicting classifications of pathogenicity. Review status: criteria provided, conflicting classifications (1 of 4 stars). 9 submissions from 9 submitters: Uncertain significance (1); Likely benign (5). 3 of the submissions do not count toward it. Last evaluated 2025-10-01.

Conditions:
CHD7-related disorder. Also called: CHD7-related condition.
Inborn genetic diseases. Identifiers: MedGen C0950123, MeSH D030342.
CHARGE syndrome (CHARGE). Also called: Coloboma, heart anomaly, choanal atresia, retardation, genital and ear anomalies; CHARGE association; Hall-Hittner syndrome; CHARGE ASSOCIATION--COLOBOMA, HEART ANOMALY, CHOANAL ATRESIA, RETARDATION, GENITAL AND EAR ANOMALIES; Hittner Hirsch Kreh syndrome. Identifiers: Orphanet 138, MedGen C0265354, MONDO:0008965.

Allele frequency attached by ClinVar (database versions not stated): ExAC 0.00007; ESP Exome Variant Server 0.00008; gnomAD exomes 0.00009 and 0.00019; gnomAD 0.00011 and 0.00012; TOPMed 0.00011.
gnomAD v4.1: 279 of 1,612,370 alleles (0.017%); highest among the groups gnomAD compares: Non-Finnish European, 0.023%; no homozygotes.

Submissions (9):

Labcorp Genetics (formerly Invitae), Labcorp
Classification: Likely benign for CHARGE syndrome. Last evaluated: 2025-10-01. Review status: criteria provided, single submitter. Criteria: Invitae Variant Classification Sherloc (09022015). Collection method: clinical testing. Allele origin: germline.

CeGaT Center for Human Genetics Tuebingen
Classification: Likely benign. Last evaluated: 2024-02-01. Review status: criteria provided, single submitter. Criteria: CeGaT Center For Human Genetics Tuebingen Variant Classification Criteria Version 2. Collection method: clinical testing. Allele origin: germline. Affected: yes. Observed: 2 variant alleles.
Comment: CHD7: BP4, BP7

Blueprint Genetics
Classification: Likely benign. Last evaluated: 2023-09-18. Review status: criteria provided, single submitter. Criteria: ACMG Guidelines, 2015. Collection method: clinical testing. Allele origin: germline.

GeneDx
Classification: Likely benign. Last evaluated: 2020-02-10. Review status: criteria provided, single submitter. Criteria: GeneDx Variant Classification Process June 2021. Collection method: clinical testing. Allele origin: germline. Affected: yes.

Ambry Genetics
Classification: Likely benign for Inborn genetic diseases. Last evaluated: 2017-12-15. Review status: criteria provided, single submitter. Criteria: Ambry Variant Classification Scheme 2023. Collection method: clinical testing. Allele origin: germline.

Eurofins Ntd Llc (ga)
Classification: Uncertain significance. Last evaluated: 2015-01-30. Review status: criteria provided, single submitter. Criteria: EGL Classification Definitions 2015. Collection method: clinical testing. Allele origin: germline. Observed: 2 variant alleles, 2 heterozygotes.

PreventionGenetics, part of Exact Sciences
Classification: Likely benign for CHD7-related condition. Last evaluated: 2020-03-25. Review status: no assertion criteria provided. Collection method: clinical testing. Allele origin: germline. Not counted in ClinVar's aggregate classification.
Comment: This variant is classified as likely benign based on ACMG/AMP sequence variant interpretation guidelines (Richards et al. 2015 PMID: 25741868, with internal and published modifications).

Clinical Genetics DNA and cytogenetics Diagnostics Lab, Erasmus MC, Erasmus Medical Center
Classification: Likely benign. Review status: no assertion criteria provided. Collection method: clinical testing. Allele origin: germline. Affected: yes. Study: VKGL Data-share Consensus. Not counted in ClinVar's aggregate classification.

Clinical Genetics, Academic Medical Center
Classification: Benign. Review status: no assertion criteria provided. Collection method: clinical testing. Allele origin: germline. Affected: yes. Study: VKGL Data-share Consensus. Not counted in ClinVar's aggregate classification.

NM_017780.4(CHD7):c.5310T>C (p.Asp1770=)

Gene: CHD7 (chromodomain helicase DNA binding protein 7; plus strand). Cytogenetic location: 8q12.2.
Variant type: single nucleotide variant.
Coding change: c.5310T>C on transcript NM_017780.4 (MANE Select); coding-DNA position 5310, T replaced by C.
Protein change: p.Asp1770=; no amino-acid change (aspartic acid 1770 retained).
Molecular consequence: synonymous variant. On other transcripts: intron variant (1).
Genome position (GRCh38, 1-based): chr8:60,849,060, T>C. VCF-style: chr8-60849060-T-C. GRCh37 (hg19) VCF-style: chr8-61761619-T-C.
Other names: c.1717-13169T>C (NM_001316690.1).
Identifiers: ClinVar variation 195899 (VCV000195899.48), dbSNP rs377723386, ClinGen allele CA242565.